The following is an entry in ClinVar:

NM_001267550.2(TTN):c.13085_13086del (p.Glu4362fs)

Gene: TTN (titin; minus strand). Cytogenetic location: 2q31.2.
Variant type: Microsatellite.
Coding change: c.13085_13086del on transcript NM_001267550.2 (MANE Select); coding-DNA positions 13085 to 13086, 2 bases deleted (AG; older notation c.13085_13086delAG).
Protein change: p.Glu4362fs; shifts the reading frame from glutamic acid 4362.
Molecular consequence: frameshift variant. On other transcripts: intron variant (1).
Genome position (GRCh38, 1-based): chr2:178,740,147-178,740,148, CT deleted on the plus strand (AG on the coding strand, the reverse complement: TTN is on the minus strand); deleting any 2 consecutive bases within chr2:178,740,147-178,740,152 gives the same sequence; the c. name uses the placement nearest the transcript's 3' end. VCF-style (leftmost placement, unchanged base first): chr2-178740146-GCT-G. GRCh37 (hg19) VCF-style: chr2-179604873-GCT-G.
Other names: c.12134_12135del, p.Glu4045fs (NM_001256850.1); c.11996_11997del, p.Glu3999fs (NM_003319.4); c.12371_12372del, p.Glu4124fs (NM_133432.3); c.12572_12573del, p.Glu4191fs (NM_133437.4); c.10361-1792AG[2] (NM_133378.4); short protein forms E3999fs, E4045fs, E4124fs, E4191fs, E4362fs.
Identifiers: ClinVar variation 1057277 (VCV001057277.11), dbSNP rs2154317985, ClinGen allele CA2580616629.

ClinVar aggregate classification (germline): Likely pathogenic (1 of 4 stars; one submission).

Conditions:
Dilated cardiomyopathy 1G (CMD1G). Identifiers: Orphanet 154, MedGen C1858763, MONDO:0011400, OMIM 604145.
Autosomal recessive limb-girdle muscular dystrophy type 2J (LGMDR10). Also called: Limb-girdle muscular dystrophy, type 2J; MUSCULAR DYSTROPHY, LIMB-GIRDLE, AUTOSOMAL RECESSIVE 10. Identifiers: Orphanet 140922, MedGen C1837342, MONDO:0012127, OMIM 608807.

Submission:

Labcorp Genetics (formerly Invitae), Labcorp
Classification: Likely pathogenic for Dilated cardiomyopathy 1G; Autosomal recessive limb-girdle muscular dystrophy type 2J. Last evaluated: 2024-01-29. Review status: criteria provided, single submitter. Criteria: Invitae Variant Classification Sherloc (09022015). Collection method: clinical testing. Allele origin: germline.
Comment: This sequence change creates a premature translational stop signal (p.Glu4362Alafs*18) in the TTN gene. While this is not anticipated to result in nonsense mediated decay, it is expected to create a truncated TTN protein. This variant is not present in population databases (gnomAD no frequency). This variant has not been reported in the literature in individuals affected with TTN-related conditions. ClinVar contains an entry for this variant (Variation ID: 1057277). This variant is located in the I band of TTN (PMID: 25589632). Truncating variants in this region have been reported in individuals affected with autosomal recessive centronuclear myopathy (PMID: 23975875, Invitae internal data). Truncating variants in this region have also been identified in individuals affected with autosomal dominant dilated cardiomyopathy and/or cardio-related conditions (PMID: 27869827, 32964742, Invitae internal data). In summary, the currently available evidence indicates that the variant is pathogenic, but additional data are needed to prove that conclusively. Therefore, this variant has been classified as Likely Pathogenic.

Literature cited by the submitters: PubMed 25589632; PubMed 23975875; PubMed 27869827; PubMed 32964742.